The following is an entry in ClinVar:

NM_002474.3(MYH11):c.5171+86T>G

Genes: MYH11 (myosin heavy chain 11; minus strand), NDE1 (nudE neurodevelopment protein 1; plus strand). Cytogenetic location: 16p13.11.
Variant type: single nucleotide variant.
Coding change: c.5171+86T>G on transcript NM_002474.3 (MANE Select); 86 bases into the intron after coding-DNA position 5171, T replaced by G.
Molecular consequence: intron variant.
Genome position (GRCh38, 1-based): chr16:15,719,134, A>C on the plus strand (T>G on the coding strand, the complement: MYH11 is on the minus strand). VCF-style: chr16-15719134-A-C. GRCh37 (hg19) VCF-style: chr16-15812991-A-C.
Other names: c.948-5057A>C (NM_001143979.2, NM_017668.3); c.5171+86T>G (NM_022844.3); c.5192+86T>G (NM_001040114.2, NM_001040113.2).
Identifiers: ClinVar variation 676577 (VCV000676577.2), dbSNP rs112824610, ClinGen allele CA278596667.

ClinVar aggregate classification (germline): Likely benign. Review status: criteria provided, multiple submitters, no conflicts (2 of 4 stars). 2 submissions from 2 submitters: Likely benign (2). Last evaluated 2018-06-14.

Allele frequency attached by ClinVar (database versions not stated): gnomAD 0.01064 and 0.01134; TOPMed 0.01275; 1000 Genomes Project 0.01278; 1000 Genomes Project 30x 0.01312.
gnomAD v4.1: 3,087 of 1,399,968 alleles (0.22%); highest among the groups gnomAD compares: African/African-American, 3.7%; 62 homozygotes.

Submissions (2):

GeneDx
Classification: Likely benign. Last evaluated: 2018-06-14. Review status: criteria provided, single submitter. Criteria: GeneDx Variant Classification (06012015). Collection method: clinical testing. Allele origin: germline. Affected: yes.
Comment: This variant is considered likely benign or benign based on one or more of the following criteria: it is a conservative change, it occurs at a poorly conserved position in the protein, it is predicted to be benign by multiple in silico algorithms, and/or has population frequency not consistent with disease.

Breakthrough Genomics
Classification: Likely benign. Review status: criteria provided, single submitter. Criteria: ACMG Guidelines, 2015. Collection method: not provided. Allele origin: germline. Inheritance: Autosomal recessive inheritance. Affected: yes.